The following is an entry in ClinVar:

NM_005912.3(MC4R):c.751A>C (p.Ile251Leu)

Gene: MC4R (melanocortin 4 receptor; minus strand). Cytogenetic location: 18q21.32.
Variant type: single nucleotide variant.
Coding change: c.751A>C on transcript NM_005912.3 (MANE Select); coding-DNA position 751, A replaced by C.
Protein change: p.Ile251Leu; replaces isoleucine 251 with leucine.
Molecular consequence: missense variant.
Genome position (GRCh38, 1-based): chr18:60,371,599, T>G on the plus strand (A>C on the coding strand, the complement: MC4R is on the minus strand). VCF-style: chr18-60371599-T-G. GRCh37 (hg19) VCF-style: chr18-58038832-T-G.
Other names: short protein forms I251L.
Identifiers: ClinVar variation 218329 (VCV000218329.42), dbSNP rs52820871, ClinGen allele CA214823.
Genomic context (GRCh38, chr18:60,371,599, plus strand): 5'-AAGAGATGTAGAATATTAAGTGGAGGAAGAATGGGGCCCAGCAGACAACAAAGACGCCAA[T>G]CAGGATGGTCAAGGTAATCGCTCCCTTCATATTGGCACCTTGGCGGATGGCACCAGTGCC-3'
Protein context (NP_005903.2, residues 241-261): MKGAITLTIL[Ile251Leu]GVFVVCWAPF

ClinVar aggregate classification (germline): Benign/Likely benign. Review status: criteria provided, multiple submitters, no conflicts (2 of 4 stars). 15 submissions from 15 submitters: Benign (5); Likely benign (5). 5 of the submissions do not count toward it. Last evaluated 2026-01-15.

Conditions:
Monogenic diabetes. Identifiers: Orphanet 183625, MedGen C3888631, MONDO:0015967.
BODY MASS INDEX QUANTITATIVE TRAIT LOCUS 20 (BMIQ20). Also called: MELANOCORTIN 4 RECEPTOR DEFICIENCY; MC4R DEFICIENCY. Identifiers: MedGen C4759928, OMIM 618406.
MC4R-related disorder. Also called: MC4R-related condition.
Obesity. Also called: Obesity disorder. Identifiers: Orphanet 71529, MedGen C0028754, MeSH D009765, MONDO:0011122, HP:0001513.

Allele frequency attached by ClinVar (database versions not stated): gnomAD exomes 0.01112 and 0.00692; 1000 Genomes Project 30x 0.00219; 1000 Genomes Project 0.00260; TOPMed 0.00628; ExAC 0.00684; gnomAD 0.00746 and 0.00774; ESP Exome Variant Server 0.00884.
gnomAD v4.1: 17,294 of 1,614,030 alleles (1.1%); highest among the groups gnomAD compares: Non-Finnish European, 1.3%; 123 homozygotes.

Submissions (15):

Labcorp Genetics (formerly Invitae), Labcorp
Classification: Benign. Last evaluated: 2026-01-15. Review status: criteria provided, single submitter. Criteria: Invitae Variant Classification Sherloc (09022015). Collection method: clinical testing. Allele origin: germline.

CeGaT Center for Human Genetics Tuebingen
Classification: Benign. Last evaluated: 2025-11-01. Review status: criteria provided, single submitter. Criteria: CeGaT Center For Human Genetics Tuebingen Variant Classification Criteria Version 2. Collection method: clinical testing. Allele origin: germline. Affected: yes. Observed: 4 variant alleles.
Comment: MC4R: BS1, BS2

Blueprint Genetics
Classification: Likely benign. Last evaluated: 2024-11-28. Review status: criteria provided, single submitter. Criteria: ACMG Guidelines, 2015. Collection method: clinical testing. Allele origin: germline.

Fulgent Genetics
Classification: Benign for BODY MASS INDEX QUANTITATIVE TRAIT LOCUS 20. Last evaluated: 2021-08-29. Review status: criteria provided, single submitter. Criteria: ACMG Guidelines, 2015. Collection method: clinical testing. Allele origin: unknown.

Personalized Diabetes Medicine Program, University of Maryland School of Medicine
Classification: Benign for Monogenic diabetes. Last evaluated: 2019-01-25. Review status: criteria provided, single submitter. Criteria: ACMG Guidelines, 2015. Collection method: research. Allele origin: unknown. Observed: 7 variant alleles, 7 heterozygotes.
Comment: ACMG criteria: BP4 (REVEL 0.138 + 7 predictors), BA1 (1.1% in gnomAD ENF), BS2 (142 cases and 120 controls in an online resource); susceptibility factor with conflicting data (protective and obesity susceptibility), called polymorphism in multiple publications=benign

Illumina Laboratory Services, Illumina
Classification: Likely benign for Inherited obesity. Last evaluated: 2018-03-06. Review status: criteria provided, single submitter. Criteria: ICSL Variant Classification Criteria 13 December 2019. Collection method: clinical testing. Allele origin: germline.
Comment: This variant was observed in the ICSL laboratory as part of a predisposition screen in an ostensibly healthy population. It had not been previously curated by ICSL or reported in the Human Gene Mutation Database (HGMD: prior to June 1st, 2018), and was therefore a candidate for classification through an automated scoring system. Utilizing variant allele frequency, disease prevalence and penetrance estimates, and inheritance mode, an automated score was calculated to assess if this variant is too frequent to cause the disease. Based on the score and internal cut-off values, a variant classified as likely benign is not then subjected to further curation. The score for this variant resulted in a classification of likely benign for this disease.

Athena Diagnostics
Classification: Benign. Last evaluated: 2017-12-22. Review status: criteria provided, single submitter. Criteria: Athena Diagnostics Criteria. Collection method: clinical testing. Allele origin: germline.

Genetic Services Laboratory, University of Chicago
Classification: Likely benign. Last evaluated: 2017-05-12. Review status: criteria provided, single submitter. Criteria: ACMG Guidelines, 2015. Collection method: clinical testing. Allele origin: germline. Affected: no.

Center for Pediatric Genomic Medicine, Children's Mercy Hospital and Clinics
Classification: Likely benign. Last evaluated: 2016-12-02. Review status: criteria provided, single submitter. Criteria: ACMG Guidelines, 2015. Collection method: clinical testing. Allele origin: germline.
ClinVar note: Converted during submission from Likely Benign to Likely benign.

Breakthrough Genomics
Classification: Likely benign. Review status: criteria provided, single submitter. Criteria: ACMG Guidelines, 2015. Collection method: not provided. Allele origin: germline. Inheritance: Autosomal dominant inheritance. Affected: yes.

PreventionGenetics, part of Exact Sciences
Classification: Benign for MC4R-related condition. Last evaluated: 2019-07-08. Review status: no assertion criteria provided. Collection method: clinical testing. Allele origin: germline. Not counted in ClinVar's aggregate classification.
Comment: This variant is classified as benign based on ACMG/AMP sequence variant interpretation guidelines (Richards et al. 2015 PMID: 25741868, with internal and published modifications).

UCL Genetics Institute, UCL
Classification: protective for Inherited obesity. Last evaluated: 2014-12-23. Review status: no assertion criteria provided. Collection method: case-control. Allele origin: germline. Affected: yes. Study: UK10K. Not counted in ClinVar's aggregate classification.
Comment: In UK10K, seen in 14/982 subjects with severe childhood onset obesity against 31/1392 subjects with schizophrenia

Clinical Molecular Genetics Laboratory, Johns Hopkins All Children's Hospital
Classification: Uncertain significance for Obesity. Last evaluated: 2012-06-22. Review status: no assertion criteria provided. Collection method: clinical testing. Allele origin: germline. Affected: yes. Not counted in ClinVar's aggregate classification.

Clinical Genetics, Academic Medical Center
Classification: Benign. Review status: no assertion criteria provided. Collection method: clinical testing. Allele origin: germline. Affected: yes. Study: VKGL Data-share Consensus. Not counted in ClinVar's aggregate classification.

Genome Diagnostics Laboratory, University Medical Center Utrecht
Classification: Benign. Review status: no assertion criteria provided. Collection method: clinical testing. Allele origin: germline. Affected: yes. Study: VKGL Data-share Consensus. Not counted in ClinVar's aggregate classification.

Literature cited by the submitters: PubMed 10199800 (cited by Athena Diagnostics); PubMed 10903341 (cited by Athena Diagnostics); PubMed 12364415 (cited by Athena Diagnostics); PubMed 12629567 (cited by Athena Diagnostics); PubMed 12646666 (cited by Athena Diagnostics); PubMed 12970296 (cited by Athena Diagnostics); PubMed 14764812 (cited by Athena Diagnostics); PubMed 15037865 (cited by Athena Diagnostics); PubMed 15585384 (cited by Athena Diagnostics); PubMed 16032553 (cited by Athena Diagnostics); PubMed 16094248 (cited by Athena Diagnostics); PubMed 16469222 (cited by Athena Diagnostics); PubMed 16492696 (cited by Athena Diagnostics); PubMed 17286227 (cited by Athena Diagnostics); PubMed 17517246 (cited by Athena Diagnostics); PubMed 17519222 (cited by Athena Diagnostics); PubMed 17579204 (cited by Athena Diagnostics); PubMed 18559663 (cited by Athena Diagnostics); PubMed 24611737 (cited by Athena Diagnostics); PubMed 23505181 (cited by Athena Diagnostics); PubMed 23251400 (cited by Athena Diagnostics); PubMed 23146882 (cited by Athena Diagnostics); PubMed 24890885 (cited by Athena Diagnostics); PubMed 22106157 (cited by Athena Diagnostics).